The following is an entry in ClinVar:

NM_001384474.1(LOXHD1):c.2970C>G (p.His990Gln)

Gene: LOXHD1 (lipoxygenase homology PLAT domains 1; minus strand). Cytogenetic location: 18q21.1.
Variant type: single nucleotide variant.
Coding change: c.2970C>G on transcript NM_001384474.1 (MANE Select); coding-DNA position 2970, C replaced by G.
Protein change: p.His990Gln; replaces histidine 990 with glutamine.
Molecular consequence: missense variant.
Genome position (GRCh38, 1-based): chr18:46,560,174, G>C on the plus strand (C>G on the coding strand, the complement: LOXHD1 is on the minus strand). VCF-style: chr18-46560174-G-C. GRCh37 (hg19) VCF-style: chr18-44140137-G-C.
Other names: c.2970C>G, p.His990Gln (NM_144612.7); short protein forms H990Q.
Identifiers: ClinVar variation 2369270 (VCV002369270.5), dbSNP rs868364225, ClinGen allele CA299794305.

ClinVar aggregate classification (germline): Uncertain significance. Review status: criteria provided, multiple submitters, no conflicts (2 of 4 stars). 3 submissions from 3 submitters: Uncertain significance (3). Last evaluated 2024-09-13.

Conditions:
Inborn genetic diseases. Identifiers: MedGen C0950123, MeSH D030342.

Allele frequency attached by ClinVar (database versions not stated): TOPMed below 0.00001; gnomAD 0.00002; gnomAD exomes 0.00002.
gnomAD v4.1: 33 of 1,551,236 alleles (0.0021%); highest among the groups gnomAD compares: African/African-American, 0.036%; no homozygotes.

Submissions (3):

Blueprint Genetics
Classification: Uncertain significance. Last evaluated: 2024-09-13. Review status: criteria provided, single submitter. Criteria: ACMG Guidelines, 2015. Collection method: clinical testing. Allele origin: germline.

Ambry Genetics
Classification: Uncertain significance for Inborn genetic diseases. Last evaluated: 2024-06-10. Review status: criteria provided, single submitter. Criteria: Ambry Variant Classification Scheme 2023. Collection method: clinical testing. Allele origin: germline.

Women's Health and Genetics/Laboratory Corporation of America, LabCorp
Classification: Uncertain significance. Last evaluated: 2024-04-04. Review status: criteria provided, single submitter. Criteria: LabCorp Variant Classification Summary - May 2015. Collection method: clinical testing. Allele origin: germline.
Comment: Variant summary: LOXHD1 c.2970C>G (p.His990Gln) results in a non-conservative amino acid change in the encoded protein sequence. Three of five in-silico tools predict a damaging effect of the variant on protein function. The variant allele was found at a frequency of 1.3e-05 in 158560 control chromosomes (gnomAD). The available data on variant occurrences in the general population are insufficient to allow any conclusion about variant significance. To our knowledge, no occurrence of c.2970C>G in individuals affected with Nonsyndromic Hearing Loss And Deafness, Type 77 and no experimental evidence demonstrating its impact on protein function have been reported. ClinVar contains an entry for this variant (Variation ID: 2369270). Based on the evidence outlined above, the variant was classified as uncertain significance.